The following is an entry in ClinVar:

ClinVar aggregate classification (germline): Uncertain significance (1 of 4 stars; one submission).

gnomAD v4.1: 1 of 1,614,164 alleles (0.000062%); highest among the groups gnomAD compares: Non-Finnish European, 0.000085%; no homozygotes.

Submission:

Labcorp Genetics (formerly Invitae), Labcorp
Classification: Uncertain significance. Last evaluated: 2025-06-19. Review status: criteria provided, single submitter. Criteria: Invitae Variant Classification Sherloc (09022015). Collection method: clinical testing. Allele origin: germline.
Comment: This sequence change replaces proline, which is neutral and non-polar, with histidine, which is basic and polar, at codon 1502 of the ARID1B protein (p.Pro1502His). This variant is not present in population databases (gnomAD no frequency). This variant has not been reported in the literature in individuals affected with ARID1B-related conditions. Invitae Evidence Modeling of protein sequence and biophysical properties (such as structural, functional, and spatial information, amino acid conservation, physicochemical variation, residue mobility, and thermodynamic stability) indicates that this missense variant is not expected to disrupt ARID1B protein function with a negative predictive value of 95%. In summary, the available evidence is currently insufficient to determine the role of this variant in disease. Therefore, it has been classified as a Variant of Uncertain Significance.

NM_001374828.1(ARID1B):c.4874C>A (p.Pro1625His)

Gene: ARID1B (AT-rich interaction domain 1B; plus strand). Cytogenetic location: 6q25.3.
Variant type: single nucleotide variant.
Coding change: c.4874C>A on transcript NM_001374828.1 (MANE Select); coding-DNA position 4874, C replaced by A.
Protein change: p.Pro1625His; replaces proline 1625 with histidine.
Molecular consequence: missense variant.
Genome position (GRCh38, 1-based): chr6:157,201,099, C>A. VCF-style: chr6-157201099-C-A. GRCh37 (hg19) VCF-style: chr6-157522233-C-A.
Other names: c.2375C>A, p.Pro792His (NM_001363725.2); c.4754C>A, p.Pro1585His (NM_001371656.1, NM_001374820.1); c.5003C>A, p.Pro1668His (NM_001438482.1); c.4916C>A, p.Pro1639His (NM_001438483.1); c.4784C>A, p.Pro1595His (NM_001438485.1); c.4757C>A, p.Pro1586His (NM_001438486.1); c.4694C>A, p.Pro1565His (NM_001438487.1); c.2216C>A, p.Pro739His (NM_001438488.1); and 1 more; short protein forms P1565H, P1572H, P739H, P1639H, P1586H, P1595H, P1585H, P1625H.
Identifiers: ClinVar variation 4696027 (VCV004696027.1).